The following is an entry in ClinVar:

NM_000543.5(SMPD1):c.439G>A (p.Val147Met)

Gene: SMPD1 (sphingomyelin phosphodiesterase 1; plus strand). Cytogenetic location: 11p15.4.
Variant type: single nucleotide variant.
Coding change: c.439G>A on transcript NM_000543.5 (MANE Select); coding-DNA position 439, G replaced by A.
Protein change: p.Val147Met; replaces valine 147 with methionine.
Molecular consequence: missense variant. On other transcripts: 5 prime UTR variant (1), non-coding transcript variant (1).
Genome position (GRCh38, 1-based): chr11:6,391,504, G>A. VCF-style: chr11-6391504-G-A. GRCh37 (hg19) VCF-style: chr11-6412734-G-A.
Other names: c.436G>A, p.Val146Met (NM_001007593.3); c.439G>A, p.Val147Met (NM_001318087.2, NM_001365135.2); c.-523G>A (NM_001318088.2); short protein forms V147M, V146M.
Identifiers: ClinVar variation 1433923 (VCV001433923.8), dbSNP rs936971458, ClinGen allele CA217299369.

ClinVar aggregate classification (germline): Uncertain significance (1 of 4 stars; one submission).

Conditions:
Niemann-Pick disease, type A. Also called: SPHINGOMYELIN LIPIDOSIS; SPHINGOMYELINASE DEFICIENCY; Infantile Neurovisceral ASMD (Niemann-Pick Disease Type A; NPD-A). Identifiers: Orphanet 77292, MedGen C0268242, MONDO:0009756, OMIM 257200. Disease mechanism: loss of function.
Niemann-Pick disease, type B. Also called: Chronic Visceral ASMD (Niemann-Pick Disease Type B; NPD-B). Identifiers: Orphanet 77293, MedGen C0268243, MONDO:0011871, OMIM 607616. Disease mechanism: loss of function.

Submission:

Labcorp Genetics (formerly Invitae), Labcorp
Classification: Uncertain significance for Niemann-Pick disease, type B; Niemann-Pick disease, type A. Last evaluated: 2021-06-19. Review status: criteria provided, single submitter. Criteria: Invitae Variant Classification Sherloc (09022015). Collection method: clinical testing. Allele origin: germline.
Comment: In summary, the available evidence is currently insufficient to determine the role of this variant in disease. Therefore, it has been classified as a Variant of Uncertain Significance. This sequence change replaces valine with methionine at codon 147 of the SMPD1 protein (p.Val147Met). The valine residue is moderately conserved and there is a small physicochemical difference between valine and methionine. This variant is not present in population databases (ExAC no frequency). This variant has not been reported in the literature in individuals with SMPD1-related conditions. Algorithms developed to predict the effect of missense changes on protein structure and function are either unavailable or do not agree on the potential impact of this missense change (SIFT: "Tolerated"; PolyPhen-2: "Possibly Damaging"; Align-GVGD: "Class C0").